The following is an entry in ClinVar:

NM_000216.4(ANOS1):c.494C>A (p.Ser165Ter)

Gene: ANOS1 (anosmin 1; minus strand). Cytogenetic location: Xp22.31.
Variant type: single nucleotide variant.
Coding change: c.494C>A on transcript NM_000216.4 (MANE Select); coding-DNA position 494, C replaced by A.
Protein change: p.Ser165Ter; replaces serine 165 with a stop codon.
Molecular consequence: nonsense.
Genome position (GRCh38, 1-based): chrX:8,597,081, G>T on the plus strand (C>A on the coding strand, the complement: ANOS1 is on the minus strand). VCF-style: chrX-8597081-G-T. GRCh37 (hg19) VCF-style: chrX-8565122-G-T.
Other names: short protein forms S165*.
Identifiers: ClinVar variation 817557 (VCV000817557.2), dbSNP rs1404298787, ClinGen allele CA412024881.
Genomic context (GRCh38, chrX:8,597,081, plus strand): 5'-TGCTGCCCCTTACCTTTGTACAGAGTCTTGGGTACTTGACAGGTGTGTCCACACCCATTC[G>T]AACAACATTTCTTCACCCCAGAGCACTCATTGTCAACTTCGCAGCTTTCAACACAGGCGG-3'

ClinVar aggregate classification (germline): Pathogenic. Review status: criteria provided, single submitter (1 of 4 stars). 2 submissions from 2 submitters: Pathogenic (1). 1 of the submissions does not count toward it. Last evaluated 2019-10-01.

Conditions:
Hypogonadotropic hypogonadism 1 with or without anosmia (HH1). Also called: Kallmann syndrome, type 1, X-linked; HYPOGONADOTROPIC HYPOGONADISM 1 WITH ANOSMIA; Hypogonadotropic hypogonadism 1 with or without anosmia (Kallmann syndrome 1); HYPOGONADOTROPIC HYPOGONADISM AND ANOSMIA; DYSPLASIA OLFACTOGENITALIS OF DE MORSIER; KAL1-Related GnRH Deficiency (Kallmann Syndrome 1; Kallmann Syndrome, X-Linked). Identifiers: Orphanet 478, MedGen C1563719, MONDO:0010635, OMIM 308700. Disease mechanism: loss of function.

Submissions (2):

GeneDx
Classification: Pathogenic. Last evaluated: 2019-10-01. Review status: criteria provided, single submitter. Criteria: GeneDx Variant Classification (06012015). Collection method: clinical testing. Allele origin: germline. Affected: yes.
Comment: Nonsense variant predicted to result in protein truncation or nonsense mediated decay in a gene for which loss-of-function is a known mechanism of disease, and multiple downstream loss-of-function variants reported in HGMD and observed at GeneDx; Not observed in large population cohorts (Lek et al., 2016); Has not been previously published as pathogenic or benign to our knowledge

Gharavi Laboratory, Columbia University
Classification: Likely pathogenic for Kallmann syndrome 1. Last evaluated: 2024-11-05. Review status: no assertion criteria provided. Criteria: ACMG Guidelines, 2015. Collection method: case-control. Allele origin: germline. Affected: yes. Not counted in ClinVar's aggregate classification.